The following is an entry in ClinVar:

ClinVar aggregate classification (germline): Uncertain significance. Review status: criteria provided, multiple submitters, no conflicts (2 of 4 stars). 2 submissions from 2 submitters: Uncertain significance (2). Last evaluated 2025-03-03.

Conditions:
Fanconi anemia complementation group J. Also called: BRIP1-Related Fanconi Anemia. Identifiers: Orphanet 84, MedGen C1836860, MONDO:0012187, OMIM 609054.
Familial cancer of breast. Also called: Hereditary breast cancer; hereditary breast carcinoma; BREAST CANCER, FAMILIAL. Identifiers: Orphanet 227535, MedGen C0346153, MONDO:0016419, OMIM 114480. Disease mechanism: loss of function.
Hereditary cancer-predisposing syndrome. Also called: Hereditary Cancer Syndrome; Hereditary neoplastic syndrome; Neoplastic Syndromes, Hereditary; Tumor predisposition. Identifiers: Orphanet 140162, MedGen C0027672, MeSH D009386, MONDO:0015356.

gnomAD v4.1: 1 of 1,612,486 alleles (0.000062%); highest among the groups gnomAD compares: South Asian, 0.0011%; no homozygotes.

Submissions (2):

Labcorp Genetics (formerly Invitae), Labcorp
Classification: Uncertain significance for Familial cancer of breast; Fanconi anemia complementation group J. Last evaluated: 2025-03-03. Review status: criteria provided, single submitter. Criteria: Invitae Variant Classification Sherloc (09022015). Collection method: clinical testing. Allele origin: germline.
Comment: This sequence change replaces histidine, which is basic and polar, with proline, which is neutral and non-polar, at codon 835 of the BRIP1 protein (p.His835Pro). This variant is not present in population databases (gnomAD no frequency). This variant has not been reported in the literature in individuals affected with BRIP1-related conditions. ClinVar contains an entry for this variant (Variation ID: 3482475). Invitae Evidence Modeling of protein sequence and biophysical properties (such as structural, functional, and spatial information, amino acid conservation, physicochemical variation, residue mobility, and thermodynamic stability) has been performed for this missense variant. However, the output from this modeling did not meet the statistical confidence thresholds required to predict the impact of this variant on BRIP1 protein function. In summary, the available evidence is currently insufficient to determine the role of this variant in disease. Therefore, it has been classified as a Variant of Uncertain Significance.

Ambry Genetics
Classification: Uncertain significance for Hereditary cancer-predisposing syndrome. Last evaluated: 2024-11-14. Review status: criteria provided, single submitter. Criteria: Ambry Variant Classification Scheme 2023. Collection method: clinical testing. Allele origin: germline.
Comment: The p.H835P variant (also known as c.2504A>C), located in coding exon 17 of the BRIP1 gene, results from an A to C substitution at nucleotide position 2504. The histidine at codon 835 is replaced by proline, an amino acid with similar properties. This amino acid position is conserved. In addition, this alteration is predicted to be deleterious by in silico analysis. Based on the available evidence, the clinical significance of this variant remains unclear.

NM_032043.3(BRIP1):c.2504A>C (p.His835Pro)

Gene: BRIP1 (BRCA1 interacting DNA helicase 1; minus strand). Cytogenetic location: 17q23.2.
Variant type: single nucleotide variant.
Coding change: c.2504A>C on transcript NM_032043.3 (MANE Select); coding-DNA position 2504, A replaced by C.
Protein change: p.His835Pro; replaces histidine 835 with proline.
Molecular consequence: missense variant.
Genome position (GRCh38, 1-based): chr17:61,693,501, T>G on the plus strand (A>C on the coding strand, the complement: BRIP1 is on the minus strand). VCF-style: chr17-61693501-T-G. GRCh37 (hg19) VCF-style: chr17-59770862-T-G.
Other names: short protein forms H835P.
Identifiers: ClinVar variation 3482475 (VCV003482475.2).